The following is an entry in ClinVar:

ClinVar aggregate classification (germline): Uncertain significance. Review status: criteria provided, multiple submitters, no conflicts (2 of 4 stars). 3 submissions from 3 submitters: Uncertain significance (3). Last evaluated 2024-06-07.

Conditions:
Inborn genetic diseases. Identifiers: MedGen C0950123, MeSH D030342.
Marinesco-Sjögren syndrome (MSS). Also called: Marinesco-Sjogren Syndrome; Marinesco-SjÃ¶gren syndrome. Identifiers: Orphanet 559, MedGen C0024814, MONDO:0009567, OMIM 248800.

Allele frequency attached by ClinVar (database versions not stated): gnomAD 0.00001; ExAC 0.00002; TOPMed 0.00003; ESP Exome Variant Server 0.00008.
gnomAD v4.1: 17 of 1,614,040 alleles (0.0011%); highest among the groups gnomAD compares: South Asian, 0.0033%; no homozygotes.

Submissions (3):

GeneDx
Classification: Uncertain significance. Last evaluated: 2024-06-07. Review status: criteria provided, single submitter. Criteria: GeneDx Variant Classification Process June 2021. Collection method: clinical testing. Allele origin: germline. Affected: yes.
Comment: Not observed at significant frequency in large population cohorts (gnomAD); In silico analysis indicates that this missense variant does not alter protein structure/function; Has not been previously published as pathogenic or benign to our knowledge

Labcorp Genetics (formerly Invitae), Labcorp
Classification: Uncertain significance for Marinesco-Sjögren syndrome. Last evaluated: 2022-06-22. Review status: criteria provided, single submitter. Criteria: Invitae Variant Classification Sherloc (09022015). Collection method: clinical testing. Allele origin: germline.
Comment: Algorithms developed to predict the effect of missense changes on protein structure and function are either unavailable or do not agree on the potential impact of this missense change (SIFT: "Tolerated"; PolyPhen-2: "Probably Damaging"; Align-GVGD: "Class C0"). In summary, the available evidence is currently insufficient to determine the role of this variant in disease. Therefore, it has been classified as a Variant of Uncertain Significance. This variant has not been reported in the literature in individuals affected with SIL1-related conditions. This variant is present in population databases (rs201418882, gnomAD 0.008%). This sequence change replaces valine, which is neutral and non-polar, with isoleucine, which is neutral and non-polar, at codon 91 of the SIL1 protein (p.Val91Ile).

Ambry Genetics
Classification: Uncertain significance for Inborn genetic diseases. Last evaluated: 2021-03-25. Review status: criteria provided, single submitter. Criteria: Ambry Variant Classification Scheme 2023. Collection method: clinical testing. Allele origin: germline.
Comment: The c.271G>A (p.V91I) alteration is located in exon 4 (coding exon 3) of the SIL1 gene. This alteration results from a G to A substitution at nucleotide position 271, causing the valine (V) at amino acid position 91 to be replaced by an isoleucine (I). The p.V91I alteration is predicted to be tolerated by in silico analysis. Based on insufficient or conflicting evidence, the clinical significance of this alteration remains unclear.

NM_022464.5(SIL1):c.271G>A (p.Val91Ile)

Gene: SIL1 (SIL1 nucleotide exchange factor; minus strand). Cytogenetic location: 5q31.2.
Variant type: single nucleotide variant.
Coding change: c.271G>A on transcript NM_022464.5 (MANE Select); coding-DNA position 271, G replaced by A.
Protein change: p.Val91Ile; replaces valine 91 with isoleucine.
Molecular consequence: missense variant.
Genome position (GRCh38, 1-based): chr5:139,051,020, C>T on the plus strand (G>A on the coding strand, the complement: SIL1 is on the minus strand). VCF-style: chr5-139051020-C-T. GRCh37 (hg19) VCF-style: chr5-138386709-C-T.
Other names: c.271G>A, p.Val91Ile (NM_001037633.2); c.271G>A (NM_022464.4); short protein forms V91I.
Identifiers: ClinVar variation 2080361 (VCV002080361.6), dbSNP rs201418882, ClinGen allele CA3432630.